The following is an entry in ClinVar:

ClinVar aggregate classification (germline): Uncertain significance (1 of 4 stars; one submission).

Conditions:
Kabuki syndrome. Also called: NIIKAWA-KUROKI SYNDROME; Kabuki make-up syndrome. Identifiers: Orphanet 2322, MedGen C0796004, MONDO:0016512.

Allele frequency attached by ClinVar (database versions not stated): gnomAD exomes below 0.00001.

Submission:

Labcorp Genetics (formerly Invitae), Labcorp
Classification: Uncertain significance for Kabuki syndrome. Last evaluated: 2022-12-06. Review status: criteria provided, single submitter. Criteria: Invitae Variant Classification Sherloc (09022015). Collection method: clinical testing. Allele origin: germline.
Comment: Advanced modeling of protein sequence and biophysical properties (such as structural, functional, and spatial information, amino acid conservation, physicochemical variation, residue mobility, and thermodynamic stability) performed at Invitae indicates that this missense variant is not expected to disrupt KMT2D protein function. In summary, the available evidence is currently insufficient to determine the role of this variant in disease. Therefore, it has been classified as a Variant of Uncertain Significance. This sequence change replaces serine, which is neutral and polar, with phenylalanine, which is neutral and non-polar, at codon 834 of the KMT2D protein (p.Ser834Phe). This variant is not present in population databases (gnomAD no frequency). This variant has not been reported in the literature in individuals affected with KMT2D-related conditions.

NM_003482.4(KMT2D):c.2501C>T (p.Ser834Phe)

Gene: KMT2D (lysine methyltransferase 2D; minus strand). Cytogenetic location: 12q13.12.
Variant type: single nucleotide variant.
Coding change: c.2501C>T on transcript NM_003482.4 (MANE Select); coding-DNA position 2501, C replaced by T.
Protein change: p.Ser834Phe; replaces serine 834 with phenylalanine.
Molecular consequence: missense variant.
Genome position (GRCh38, 1-based): chr12:49,051,182, G>A on the plus strand (C>T on the coding strand, the complement: KMT2D is on the minus strand). VCF-style: chr12-49051182-G-A. GRCh37 (hg19) VCF-style: chr12-49444965-G-A.
Other names: short protein forms S834F.
Identifiers: ClinVar variation 2791528 (VCV002791528.3), dbSNP rs1276271557, ClinGen allele CA384665666.